The following is an entry in ClinVar:

ClinVar aggregate classification (germline): Uncertain significance. Review status: criteria provided, multiple submitters, no conflicts (2 of 4 stars). 2 submissions from 2 submitters: Uncertain significance (2). Last evaluated 2025-10-13.

Conditions:
Inborn genetic diseases. Identifiers: MedGen C0950123, MeSH D030342.

Allele frequency attached by ClinVar (database versions not stated): gnomAD exomes below 0.00001; TOPMed 0.00001.
gnomAD v4.1: 2 of 1,613,258 alleles (0.00012%); highest among the groups gnomAD compares: Admixed American, 0.0033%; no homozygotes.

Submissions (2):

Labcorp Genetics (formerly Invitae), Labcorp
Classification: Uncertain significance. Last evaluated: 2025-10-13. Review status: criteria provided, single submitter. Criteria: Invitae Variant Classification Sherloc (09022015). Collection method: clinical testing. Allele origin: germline.
Comment: This sequence change replaces alanine, which is neutral and non-polar, with threonine, which is neutral and polar, at codon 842 of the CDH2 protein (p.Ala842Thr). This variant is not present in population databases (gnomAD no frequency). This variant has not been reported in the literature in individuals affected with CDH2-related conditions. ClinVar contains an entry for this variant (Variation ID: 2451005). An algorithm developed to predict the effect of missense changes on protein structure and function (PolyPhen-2) suggests that this variant is likely to be disruptive. In summary, the available evidence is currently insufficient to determine the role of this variant in disease. Therefore, it has been classified as a Variant of Uncertain Significance.

Ambry Genetics
Classification: Uncertain significance for Inborn genetic diseases. Last evaluated: 2022-12-25. Review status: criteria provided, single submitter. Criteria: Ambry Variant Classification Scheme 2023. Collection method: clinical testing. Allele origin: germline.
Comment: The p.A842T variant (also known as c.2524G>A), located in coding exon 16 of the CDH2 gene, results from a G to A substitution at nucleotide position 2524. The alanine at codon 842 is replaced by threonine, an amino acid with similar properties. This amino acid position is conserved. In addition, the in silico prediction for this alteration is inconclusive. Since supporting evidence is limited at this time, the clinical significance of this alteration remains unclear.

NM_001792.5(CDH2):c.2524G>A (p.Ala842Thr)

Genes: CDH2 (cadherin 2; minus strand), CDH2-AS1 (CDH2 antisense RNA 1; plus strand). Cytogenetic location: 18q12.1.
Variant type: single nucleotide variant.
Coding change: c.2524G>A on transcript NM_001792.5 (MANE Select); coding-DNA position 2524, G replaced by A.
Protein change: p.Ala842Thr; replaces alanine 842 with threonine.
Molecular consequence: missense variant.
Genome position (GRCh38, 1-based): chr18:27,952,350, C>T on the plus strand (G>A on the coding strand, the complement: CDH2 is on the minus strand). VCF-style: chr18-27952350-C-T. GRCh37 (hg19) VCF-style: chr18-25532314-C-T.
Other names: c.2431G>A, p.Ala811Thr (NM_001308176.2); short protein forms A811T, A842T.
Identifiers: ClinVar variation 2451005 (VCV002451005.5), dbSNP rs1293562698, ClinGen allele CA402101641.
Genomic context (GRCh38, chr18:27,952,350, plus strand): 5'-CTTCATAGTCAAACACTAACAGGGAGTCATATGGTGGAGCTGTGGGGTCATTGTCAGCCG[C>T]TTTAAGGCCCTGCAATTTGGAAACACAAAGAATGAAAGAATTAAGAGAGGGTTACACTTT-3'
Protein context (NP_001783.2, residues 832-852): IGDFINEGLK[Ala842Thr]ADNDPTAPPY